The following is an entry in ClinVar:

ClinVar aggregate classification (germline): Pathogenic (1 of 4 stars; one submission).

Conditions:
Primary ciliary dyskinesia. Also called: Ciliary dyskinesia. Identifiers: Orphanet 244, MedGen C0008780, MONDO:0016575, HP:0012265.

gnomAD v4.1: 1 of 1,613,688 alleles (0.000062%); no homozygotes.

Submission:

Labcorp Genetics (formerly Invitae), Labcorp
Classification: Pathogenic for Primary ciliary dyskinesia. Last evaluated: 2020-12-12. Review status: criteria provided, single submitter. Criteria: Invitae Variant Classification Sherloc (09022015). Collection method: clinical testing. Allele origin: germline.
Comment: For these reasons, this variant has been classified as Pathogenic. This variant has not been reported in the literature in individuals with DNAH5-related conditions. This variant is not present in population databases (ExAC no frequency). This sequence change creates a premature translational stop signal (p.Glu1153*) in the DNAH5 gene. It is expected to result in an absent or disrupted protein product. Loss-of-function variants in DNAH5 are known to be pathogenic (PMID: 11788826, 16627867).

Literature cited by the submitters: PubMed 11788826; PubMed 16627867.

NM_001369.3(DNAH5):c.3457G>T (p.Glu1153Ter)

Genes: DNAH5 (dynein axonemal heavy chain 5; minus strand), DNAH5-AS1 (DNAH5 antisense RNA 1; plus strand). Cytogenetic location: 5p15.2.
Variant type: single nucleotide variant.
Coding change: c.3457G>T on transcript NM_001369.3 (MANE Select); coding-DNA position 3457, G replaced by T.
Protein change: p.Glu1153Ter; replaces glutamic acid 1153 with a stop codon.
Molecular consequence: nonsense.
Genome position (GRCh38, 1-based): chr5:13,871,705, C>A on the plus strand (G>T on the coding strand, the complement: DNAH5 is on the minus strand). VCF-style: chr5-13871705-C-A. GRCh37 (hg19) VCF-style: chr5-13871814-C-A.
Other names: short protein forms E1153*.
Identifiers: ClinVar variation 1455127 (VCV001455127.14), dbSNP rs779799358, ClinGen allele CA359233241.